The following is an entry in ClinVar:

ClinVar aggregate classification (germline): Uncertain significance. Review status: criteria provided, multiple submitters, no conflicts (2 of 4 stars). 2 submissions from 2 submitters: Uncertain significance (2). Last evaluated 2025-12-10.

Conditions:
Inborn genetic diseases. Identifiers: MedGen C0950123, MeSH D030342.

Allele frequency attached by ClinVar (database versions not stated): gnomAD 0.00001.

Submissions (2):

Ambry Genetics
Classification: Uncertain significance for Inborn genetic diseases. Last evaluated: 2025-12-10. Review status: criteria provided, single submitter. Criteria: Ambry Variant Classification Scheme 2023. Collection method: clinical testing. Allele origin: germline.
Comment: The p.D1241Y variant (also known as c.3721G>T), located in coding exon 1 of the SAMD9L gene, results from a G to T substitution at nucleotide position 3721. The aspartic acid at codon 1241 is replaced by tyrosine, an amino acid with highly dissimilar properties. This amino acid position is conserved. In addition, this alteration is predicted to be tolerated by in silico analysis. Based on the available evidence, the clinical significance of this variant remains unclear.

Labcorp Genetics (formerly Invitae), Labcorp
Classification: Uncertain significance. Last evaluated: 2023-05-27. Review status: criteria provided, single submitter. Criteria: Invitae Variant Classification Sherloc (09022015). Collection method: clinical testing. Allele origin: germline.
Comment: This sequence change replaces aspartic acid, which is acidic and polar, with tyrosine, which is neutral and polar, at codon 1241 of the SAMD9L protein (p.Asp1241Tyr). This variant is not present in population databases (gnomAD no frequency). This variant has not been reported in the literature in individuals affected with SAMD9L-related conditions. Advanced modeling of protein sequence and biophysical properties (such as structural, functional, and spatial information, amino acid conservation, physicochemical variation, residue mobility, and thermodynamic stability) performed at Invitae indicates that this missense variant is not expected to disrupt SAMD9L protein function. In summary, the available evidence is currently insufficient to determine the role of this variant in disease. Therefore, it has been classified as a Variant of Uncertain Significance.

NM_152703.5(SAMD9L):c.3721G>T (p.Asp1241Tyr)

Gene: SAMD9L (sterile alpha motif domain containing 9 like; minus strand). Cytogenetic location: 7q21.2.
Variant type: single nucleotide variant.
Coding change: c.3721G>T on transcript NM_152703.5 (MANE Select); coding-DNA position 3721, G replaced by T.
Protein change: p.Asp1241Tyr; replaces aspartic acid 1241 with tyrosine.
Molecular consequence: missense variant.
Genome position (GRCh38, 1-based): chr7:93,132,251, C>A on the plus strand (G>T on the coding strand, the complement: SAMD9L is on the minus strand). VCF-style: chr7-93132251-C-A. GRCh37 (hg19) VCF-style: chr7-92761564-C-A.
Other names: c.3721G>T, p.Asp1241Tyr (NM_001303496.3, NM_001303497.3, NM_001303498.3 and 5 more transcripts); c.3721G>T (NM_152703.2); short protein forms D1241Y.
Identifiers: ClinVar variation 2863495 (VCV002863495.4), dbSNP rs1792150031, ClinGen allele CA368180383.